The following is an entry in ClinVar:

ClinVar aggregate classification (germline): Uncertain significance (1 of 4 stars; one submission).

Submission:

Labcorp Genetics (formerly Invitae), Labcorp
Classification: Uncertain significance. Last evaluated: 2024-02-11. Review status: criteria provided, single submitter. Criteria: Invitae Variant Classification Sherloc (09022015). Collection method: clinical testing. Allele origin: germline.
Comment: This sequence change replaces aspartic acid, which is acidic and polar, with glutamic acid, which is acidic and polar, at codon 934 of the ZSWIM6 protein (p.Asp934Glu). This variant is present in population databases (no rsID available, gnomAD 0.005%). This missense change has been observed in individual(s) with clinical features of ZSWIM6-related disorders (PMID: 33337535). Advanced modeling of protein sequence and biophysical properties (such as structural, functional, and spatial information, amino acid conservation, physicochemical variation, residue mobility, and thermodynamic stability) performed at Invitae indicates that this missense variant is not expected to disrupt ZSWIM6 protein function with a negative predictive value of 80%. In summary, the available evidence is currently insufficient to determine the role of this variant in disease. Therefore, it has been classified as a Variant of Uncertain Significance.

Literature cited by the submitters: PubMed 33337535.

NM_020928.2(ZSWIM6):c.2802C>G (p.Asp934Glu)

Gene: ZSWIM6 (zinc finger SWIM-type containing 6; plus strand). Cytogenetic location: 5q12.1.
Variant type: single nucleotide variant.
Coding change: c.2802C>G on transcript NM_020928.2 (MANE Select); coding-DNA position 2802, C replaced by G.
Protein change: p.Asp934Glu; replaces aspartic acid 934 with glutamic acid.
Molecular consequence: missense variant.
Genome position (GRCh38, 1-based): chr5:61,543,471, C>G. VCF-style: chr5-61543471-C-G. GRCh37 (hg19) VCF-style: chr5-60839298-C-G.
Other names: short protein forms D934E.
Identifiers: ClinVar variation 3611973 (VCV003611973.2).